The following is an entry in ClinVar:

NM_000361.3(THBD):c.1696del (p.Val566fs)

Gene: THBD (thrombomodulin; minus strand). Cytogenetic location: 20p11.21.
Variant type: Deletion.
Coding change: c.1696del on transcript NM_000361.3 (MANE Select); coding-DNA position 1696, one base deleted (G; older notation c.1696delG).
Protein change: p.Val566fs; shifts the reading frame from valine 566.
Molecular consequence: frameshift variant.
Genome position (GRCh38, 1-based): chr20:23,047,809, C deleted on the plus strand (G on the coding strand, the reverse complement: THBD is on the minus strand). VCF-style (leftmost placement, unchanged base first): chr20-23047808-AC-A. GRCh37 (hg19) VCF-style: chr20-23028445-AC-A.
Other names: short protein forms V566fs.
Identifiers: ClinVar variation 2842952 (VCV002842952.3), dbSNP rs1267742152, ClinGen allele CA510160415.
Genomic context (GRCh38, chr20:23,047,808, plus strand): 5'-ACGGAGCCAGGCTCCTGGACGGAGGCCGCTCAGAGTCTCTGCGGCGTCCGCTCGGTCCGC[AC>A]GTGCTGCAGCACTACCTCCTTGGAAGGGGCCGCGCACTTGTACTCCATCTTGGCCCTGGC-3'

ClinVar aggregate classification (germline): Uncertain significance (1 of 4 stars; one submission).

Allele frequency attached by ClinVar (database versions not stated): gnomAD 0.00001; TOPMed below 0.00001; gnomAD exomes 0.00001; ESP Exome Variant Server 0.00008.

Submission:

Labcorp Genetics (formerly Invitae), Labcorp
Classification: Uncertain significance. Last evaluated: 2024-10-22. Review status: criteria provided, single submitter. Criteria: Invitae Variant Classification Sherloc (09022015). Collection method: clinical testing. Allele origin: germline.
Comment: This sequence change creates a premature translational stop signal (p.Val566Cysfs*37) in the THBD gene. While this is not anticipated to result in nonsense mediated decay, it is expected to disrupt the last 10 amino acid(s) of the THBD protein. This variant is present in population databases (no rsID available, gnomAD 0.007%). This variant has not been reported in the literature in individuals affected with THBD-related conditions. Experimental studies and prediction algorithms are not available or were not evaluated, and the functional significance of this variant is currently unknown. In summary, the available evidence is currently insufficient to determine the role of this variant in disease. Therefore, it has been classified as a Variant of Uncertain Significance.